The following is an entry in ClinVar:

ClinVar aggregate classification (germline): Uncertain significance (1 of 4 stars; one submission).

Conditions:
Cardiomyopathy (CMYO). Also called: Cardiomyopathies. Identifiers: Orphanet 167848, MedGen C0878544, MONDO:0004994, HP:0001638. Inheritance: Various modes of inheritance.

Submission:

Color Diagnostics, LLC DBA Color Health
Classification: Uncertain significance for Cardiomyopathy. Last evaluated: 2024-03-06. Review status: criteria provided, single submitter. Criteria: ACMG Guidelines, 2015. Collection method: clinical testing. Allele origin: germline.
Comment: This missense variant replaces isoleucine with phenylalanine at codon 544 of the PRKAG2 protein. Computational prediction suggests that this variant may have deleterious impact on protein structure and function (internally defined REVEL score threshold >= 0.7, PMID: 27666373). To our knowledge, functional studies have not been reported for this variant. This variant has not been reported in individuals affected with cardiovascular disorders in the literature. This variant has not been identified in the general population by the Genome Aggregation Database (gnomAD). The available evidence is insufficient to determine the role of this variant in disease conclusively. Therefore, this variant is classified as a Variant of Uncertain Significance.

NM_016203.4(PRKAG2):c.1630A>T (p.Ile544Phe)

Gene: PRKAG2 (protein kinase AMP-activated non-catalytic subunit gamma 2; minus strand). Cytogenetic location: 7q36.1.
Variant type: single nucleotide variant.
Coding change: c.1630A>T on transcript NM_016203.4 (MANE Select); coding-DNA position 1630, A replaced by T.
Protein change: p.Ile544Phe; replaces isoleucine 544 with phenylalanine.
Molecular consequence: missense variant.
Genome position (GRCh38, 1-based): chr7:151,560,572, T>A on the plus strand (A>T on the coding strand, the complement: PRKAG2 is on the minus strand). VCF-style: chr7-151560572-T-A. GRCh37 (hg19) VCF-style: chr7-151257658-T-A.
Other names: c.1498A>T, p.Ile500Phe (NM_001040633.2, NM_001407024.1); c.1255A>T, p.Ile419Phe (NM_001304527.2, NM_001407029.1); c.907A>T, p.Ile303Phe (NM_001304531.2, NM_001407034.1, NM_001407035.1 and 1 more transcripts); c.1258A>T, p.Ile420Phe (NM_001363698.2, NM_001407028.1); c.1630A>T, p.Ile544Phe (NM_001407021.1); c.1627A>T, p.Ile543Phe (NM_001407022.1, NM_001407023.1); c.1495A>T, p.Ile499Phe (NM_001407026.1, NM_001407027.1); c.1342A>T, p.Ile448Phe (NM_001407030.1); and 6 more; short protein forms I319F, I323F, I438F, I448F, I500F, I543F, I303F, I420F.
Identifiers: ClinVar variation 2774161 (VCV002774161.2), dbSNP rs2536232178, ClinGen allele CA370070324.